The following is an entry in ClinVar:

NM_001267550.2(TTN):c.91270+1G>A

Genes: TTN (titin; minus strand), TTN-AS1 (TTN antisense RNA 1; plus strand). Cytogenetic location: 2q31.2.
Variant type: single nucleotide variant.
Coding change: c.91270+1G>A on transcript NM_001267550.2 (MANE Select); the canonical splice donor site of the intron after coding-DNA position 91270, G replaced by A.
Molecular consequence: splice donor variant.
Genome position (GRCh38, 1-based): chr2:178,551,629, C>T on the plus strand (G>A on the coding strand, the complement: TTN is on the minus strand). VCF-style: chr2-178551629-C-T. GRCh37 (hg19) VCF-style: chr2-179416356-C-T.
Other names: c.64075+1G>A (NM_003319.4); c.64651+1G>A (NM_133437.4); c.64450+1G>A (NM_133432.3); c.83566+1G>A (NM_133378.4); c.86347+1G>A (NM_001256850.1).
Identifiers: ClinVar variation 1510149 (VCV001510149.8), dbSNP rs2154150675, ClinGen allele CA349502524.

ClinVar aggregate classification (germline): Likely pathogenic (1 of 4 stars; one submission).

Conditions:
Dilated cardiomyopathy 1G (CMD1G). Identifiers: Orphanet 154, MedGen C1858763, MONDO:0011400, OMIM 604145.
Autosomal recessive limb-girdle muscular dystrophy type 2J (LGMDR10). Also called: Limb-girdle muscular dystrophy, type 2J; MUSCULAR DYSTROPHY, LIMB-GIRDLE, AUTOSOMAL RECESSIVE 10. Identifiers: Orphanet 140922, MedGen C1837342, MONDO:0012127, OMIM 608807.

gnomAD v4.1: 1 of 1,567,142 alleles (0.000064%); highest among the groups gnomAD compares: Non-Finnish European, 0.000086%; no homozygotes.

Submission:

Labcorp Genetics (formerly Invitae), Labcorp
Classification: Likely pathogenic for Dilated cardiomyopathy 1G; Autosomal recessive limb-girdle muscular dystrophy type 2J. Last evaluated: 2025-01-28. Review status: criteria provided, single submitter. Criteria: Invitae Variant Classification Sherloc (09022015). Collection method: clinical testing. Allele origin: germline.
Comment: This sequence change affects a donor splice site in intron 335 of the TTN gene. It is expected to disrupt RNA splicing and likely results in a truncated or disrupted TTN protein. This variant is not present in population databases (gnomAD no frequency). This variant has not been reported in the literature in individuals affected with TTN-related conditions. ClinVar contains an entry for this variant (Variation ID: 1510149). Algorithms developed to predict the effect of sequence changes on RNA splicing suggest that this variant may disrupt the consensus splice site. This variant is located in the A band of TTN (PMID: 25589632). Truncating variants in this region are significantly overrepresented in patients affected with dilated cardiomyopathy (PMID: 25589632). Truncating variants in this region have also been reported in individuals affected with autosomal recessive centronuclear myopathy (PMID: 23975875). In summary, the currently available evidence indicates that the variant is pathogenic, but additional data are needed to prove that conclusively. Therefore, this variant has been classified as Likely Pathogenic.

Literature cited by the submitters: PubMed 25589632; PubMed 23975875.